The following is an entry in ClinVar:

ClinVar aggregate classification (germline): Uncertain significance (1 of 4 stars; one submission).

Conditions:
Atrial fibrillation, familial, 18 (ATFB18). Identifiers: MedGen C4310636, MONDO:0015001, OMIM 617280.

Allele frequency attached by ClinVar (database versions not stated): TOPMed below 0.00001.

Submission:

Labcorp Genetics (formerly Invitae), Labcorp
Classification: Uncertain significance for Atrial fibrillation, familial, 18. Last evaluated: 2022-07-13. Review status: criteria provided, single submitter. Criteria: Invitae Variant Classification Sherloc (09022015). Collection method: clinical testing. Allele origin: germline.
Comment: This sequence change falls in intron 2 of the MYL4 gene. It does not directly change the encoded amino acid sequence of the MYL4 protein. It affects a nucleotide within the consensus splice site. This variant is not present in population databases (gnomAD no frequency). This variant has not been reported in the literature in individuals affected with MYL4-related conditions. Variants that disrupt the consensus splice site are a relatively common cause of aberrant splicing (PMID: 17576681, 9536098). Algorithms developed to predict the effect of sequence changes on RNA splicing suggest that this variant may disrupt the consensus splice site. In summary, the available evidence is currently insufficient to determine the role of this variant in disease. Therefore, it has been classified as a Variant of Uncertain Significance.

Literature cited by the submitters: PubMed 17576681; PubMed 9536098.

NM_002476.2(MYL4):c.136-3C>T

Gene: MYL4 (myosin light chain 4; plus strand). Cytogenetic location: 17q21.32.
Variant type: single nucleotide variant.
Coding change: c.136-3C>T on transcript NM_002476.2 (MANE Select); 3 bases into the intron before coding-DNA position 136, C replaced by T.
Molecular consequence: intron variant.
Genome position (GRCh38, 1-based): chr17:47,213,796, C>T. VCF-style: chr17-47213796-C-T. GRCh37 (hg19) VCF-style: chr17-45291162-C-T.
Other names: c.136-3C>T (NM_001002841.2).
Identifiers: ClinVar variation 2089894 (VCV002089894.4), dbSNP rs1697553856, ClinGen allele CA2262574190.
Genomic context (GRCh38, chr17:47,213,796, plus strand): 5'-TTGGGGGGCCTTTACAACTGCTTTTAGCAATCCAAGCCCTCACTACTATTTCCCTCCCTA[C>T]AGATAGACTTCACTGCCGACCAGATTGAAGGTGAGTATGGACAACCCCACCTCTCCGTCT-3'